The following is an entry in ClinVar:

ClinVar aggregate classification (germline): Uncertain significance (1 of 4 stars; one submission).

Conditions:
Cardiovascular phenotype. Identifiers: MedGen CN230736.

Submission:

Ambry Genetics
Classification: Uncertain significance for Cardiovascular phenotype. Last evaluated: 2025-09-21. Review status: criteria provided, single submitter. Criteria: Ambry Variant Classification Scheme 2023. Collection method: clinical testing. Allele origin: germline.
Comment: The p.M175I variant (also known as c.525G>A), located in coding exon 5 of the TRPM4 gene, results from a G to A substitution at nucleotide position 525. The methionine at codon 175 is replaced by isoleucine, an amino acid with highly similar properties. This amino acid position is conserved. In addition, this alteration is predicted to be tolerated by in silico analysis. Based on the available evidence, the clinical significance of this variant remains unclear.

NM_017636.4(TRPM4):c.525G>A (p.Met175Ile)

Gene: TRPM4 (transient receptor potential cation channel subfamily M member 4; plus strand). Cytogenetic location: 19q13.33.
Variant type: single nucleotide variant.
Coding change: c.525G>A on transcript NM_017636.4 (MANE Select); coding-DNA position 525, G replaced by A.
Protein change: p.Met175Ile; replaces methionine 175 with isoleucine.
Molecular consequence: missense variant. On other transcripts: 5 prime UTR variant (1), initiator codon variant (1), intron variant (2).
Genome position (GRCh38, 1-based): chr19:49,168,336, G>A. VCF-style: chr19-49168336-G-A. GRCh37 (hg19) VCF-style: chr19-49671593-G-A.
Other names: c.525G>A, p.Met175Ile (NM_001195227.2); c.-1029G>A (NM_001321282.2); c.3G>A, p.Met1Ile (NM_001321283.2); c.268-217G>A (NM_001321281.2); c.-237-217G>A (NM_001321285.2); short protein forms M1I, M175I.
Identifiers: ClinVar variation 4615261 (VCV004615261.1).